The following is an entry in ClinVar:

ClinVar aggregate classification (germline): Conflicting classifications of pathogenicity. Review status: criteria provided, conflicting classifications (1 of 4 stars). 2 submissions from 2 submitters: Uncertain significance (1); Likely benign (1). Last evaluated 2023-08-10.

Conditions:
KBG syndrome (KBGS). Also called: ANKRD11-Related KBG Syndrome. Identifiers: Orphanet 2332, MedGen C0220687, MONDO:0007846, OMIM 148050.

Allele frequency attached by ClinVar (database versions not stated): TOPMed 0.00001; gnomAD 0.00002.
gnomAD v4.1: 41 of 1,613,456 alleles (0.0025%); highest among the groups gnomAD compares: East Asian, 0.0045%; no homozygotes.

Submissions (2):

Labcorp Genetics (formerly Invitae), Labcorp
Classification: Uncertain significance for KBG syndrome. Last evaluated: 2023-08-10. Review status: criteria provided, single submitter. Criteria: Invitae Variant Classification Sherloc (09022015). Collection method: clinical testing. Allele origin: germline.
Comment: Advanced modeling of protein sequence and biophysical properties (such as structural, functional, and spatial information, amino acid conservation, physicochemical variation, residue mobility, and thermodynamic stability) performed at Invitae indicates that this missense variant is not expected to disrupt ANKRD11 protein function. In summary, the available evidence is currently insufficient to determine the role of this variant in disease. Therefore, it has been classified as a Variant of Uncertain Significance. ClinVar contains an entry for this variant (Variation ID: 2155323). This sequence change replaces arginine, which is basic and polar, with tryptophan, which is neutral and slightly polar, at codon 472 of the ANKRD11 protein (p.Arg472Trp). This variant is present in population databases (rs748844010, gnomAD 0.006%). This variant has not been reported in the literature in individuals affected with ANKRD11-related conditions.

Blueprint Genetics
Classification: Likely benign. Last evaluated: 2021-07-16. Review status: criteria provided, single submitter. Criteria: ACMG Guidelines, 2015. Collection method: clinical testing. Allele origin: germline.

NM_013275.6(ANKRD11):c.1414C>T (p.Arg472Trp)

Gene: ANKRD11 (ankyrin repeat domain 11; minus strand). Cytogenetic location: 16q24.3.
Variant type: single nucleotide variant.
Coding change: c.1414C>T on transcript NM_013275.6 (MANE Select); coding-DNA position 1414, C replaced by T.
Protein change: p.Arg472Trp; replaces arginine 472 with tryptophan.
Molecular consequence: missense variant.
Genome position (GRCh38, 1-based): chr16:89,285,128, G>A on the plus strand (C>T on the coding strand, the complement: ANKRD11 is on the minus strand). VCF-style: chr16-89285128-G-A. GRCh37 (hg19) VCF-style: chr16-89351536-G-A.
Other names: c.1414C>T, p.Arg472Trp (NM_001256182.2, NM_001256183.2); short protein forms R472W.
Identifiers: ClinVar variation 2155323 (VCV002155323.4), dbSNP rs748844010, ClinGen allele CA8242781.